The following is an entry in ClinVar:

ClinVar aggregate classification (germline): Uncertain significance (1 of 4 stars; one submission).

Submission:

GeneDx
Classification: Uncertain significance. Last evaluated: 2024-12-23. Review status: criteria provided, single submitter. Criteria: GeneDx Variant Classification Process June 2021. Collection method: clinical testing. Allele origin: germline. Affected: yes.
Comment: Not observed at significant frequency in large population cohorts (gnomAD); In silico analysis supports that this missense variant has a deleterious effect on protein structure/function; Has not been previously published as pathogenic or benign to our knowledge

NM_001271.4(CHD2):c.1400T>C (p.Phe467Ser)

Gene: CHD2 (chromodomain helicase DNA binding protein 2; plus strand). Cytogenetic location: 15q26.1.
Variant type: single nucleotide variant.
Coding change: c.1400T>C on transcript NM_001271.4 (MANE Select); coding-DNA position 1400, T replaced by C.
Protein change: p.Phe467Ser; replaces phenylalanine 467 with serine.
Molecular consequence: missense variant.
Genome position (GRCh38, 1-based): chr15:92,948,974, T>C. VCF-style: chr15-92948974-T-C. GRCh37 (hg19) VCF-style: chr15-93492204-T-C.
Other names: c.1400T>C, p.Phe467Ser (NM_001042572.3); short protein forms F467S.
Identifiers: ClinVar variation 3907982 (VCV003907982.1).